The following is an entry in ClinVar:

NM_020812.4(DOCK6):c.2815-7C>G

Gene: DOCK6 (dedicator of cytokinesis 6; minus strand). Cytogenetic location: 19p13.2.
Variant type: single nucleotide variant.
Coding change: c.2815-7C>G on transcript NM_020812.4 (MANE Select); 7 bases into the intron before coding-DNA position 2815, C replaced by G.
Molecular consequence: intron variant.
Genome position (GRCh38, 1-based): chr19:11,227,484, G>C on the plus strand (C>G on the coding strand, the complement: DOCK6 is on the minus strand). VCF-style: chr19-11227484-G-C. GRCh37 (hg19) VCF-style: chr19-11338160-G-C.
Other names: c.2920-7C>G (NM_001367830.1).
Identifiers: ClinVar variation 1305881 (VCV001305881.2), dbSNP rs779525946, ClinGen allele CA9207466.

ClinVar aggregate classification (germline): Uncertain significance (1 of 4 stars; one submission).

Allele frequency attached by ClinVar (database versions not stated): gnomAD exomes 0.00002; ExAC 0.00007.

Submission:

GeneDx
Classification: Uncertain significance. Last evaluated: 2019-05-21. Review status: criteria provided, single submitter. Criteria: GeneDx Variant Classification Process June 2021. Collection method: clinical testing. Allele origin: germline. Affected: yes.
Comment: In silico analysis, which includes splice predictors and evolutionary conservation, supports a deleterious effect; Has not been previously published as pathogenic or benign to our knowledge